The following is an entry in ClinVar:

ClinVar aggregate classification (germline): Uncertain significance (1 of 4 stars; one submission).

Submission:

Ambry Genetics
Classification: Uncertain significance. Last evaluated: 2021-08-11. Review status: criteria provided, single submitter. Criteria: Ambry Variant Classification Scheme 2023. Collection method: clinical testing. Allele origin: germline.
Comment: The p.V413I variant (also known as c.1237G>A), located in coding exon 8 of the POLQ gene, results from a G to A substitution at nucleotide position 1237. The valine at codon 413 is replaced by isoleucine, an amino acid with highly similar properties. This amino acid position is conserved. In addition, this alteration is predicted to be tolerated by in silico analysis. Since supporting evidence is limited at this time, the clinical significance of this alteration remains unclear.

NM_199420.4(POLQ):c.1237G>A (p.Val413Ile)

Gene: POLQ (DNA polymerase theta; minus strand). Cytogenetic location: 3q13.33.
Variant type: single nucleotide variant.
Coding change: c.1237G>A on transcript NM_199420.4 (MANE Select); coding-DNA position 1237, G replaced by A.
Protein change: p.Val413Ile; replaces valine 413 with isoleucine.
Molecular consequence: missense variant.
Genome position (GRCh38, 1-based): chr3:121,522,021, C>T on the plus strand (G>A on the coding strand, the complement: POLQ is on the minus strand). VCF-style: chr3-121522021-C-T. GRCh37 (hg19) VCF-style: chr3-121240868-C-T.
Other names: short protein forms V413I.
Identifiers: ClinVar variation 1757202 (VCV001757202.2), dbSNP rs2546811546, ClinGen allele CA354121316.
Genomic context (GRCh38, chr3:121,522,021, plus strand): 5'-GAATTTTGGAGGTTTCTTAATAACATTATAAATATGAAATACCTGCATGATGAAATGCTA[C>T]TCCCCATGGTACAGTTTTCTGTAATACAGAGTCCAGTCCTGAAGGCAAACGTCTTAACTG-3'
Protein context (NP_955452.3, residues 403-423): SVLQKTVPWG[Val413Ile]AFHHAGLTFE